The following is an entry in ClinVar:

ClinVar aggregate classification (germline): Likely pathogenic (1 of 4 stars; one submission).

Conditions:
Recessive dystrophic epidermolysis bullosa (RDEB). Also called: epidermolysis bullosa dystrophica, autosomal recessive; DYSTROPHIC EPIDERMOLYSIS BULLOSA, AUTOSOMAL RECESSIVE; EPIDERMOLYSIS BULLOSA DYSTROPHICA, HALLOPEAU-SIEMENS TYPE; Hallopeau-Siemens Disease; EPIDERMOLYSIS BULLOSA DYSTROPHICA, GENERALIZED SEVERE, AUTOSOMAL RECESSIVE; Epidermolysis Bullosa Distrophica Autosomal Recessive (RDEB). Identifiers: Orphanet 79408, Orphanet 79409, MedGen C0079474, MONDO:0009179, OMIM 226600.

Submission:

3billion
Classification: Likely pathogenic for Recessive dystrophic epidermolysis bullosa. Last evaluated: 2026-01-14. Review status: criteria provided, single submitter. Criteria: ACMG Guidelines, 2015. Collection method: clinical testing. Allele origin: germline. Affected: yes.
Comment: The variant is not observed in the gnomAD v4.1.0 dataset. Predicted Consequence/Location: The variant is located in a mutational hot spot and/or well-established functional domain in which established pathogenic variants have been reported (PMID: 8644729). In silico tool predictions suggest damaging effect of the variant on gene or gene product [REVEL: 0.85 (>=0.6, sensitivity 0.68 and specificity 0.92); 3Cnet: 0.97 (> 0.75, sensitivity 0.96 and precision 0.92)]. Different missense changes at the same codon (p.Gly2114Ala, p.Gly2114Asp, p.Gly2114Val) have been reported as pathogenic/likely pathogenic with strong evidence (ClinVar ID: VCV001047986, VCV001676257, VCV002711717). Therefore, this variant is classified as Likely pathogenic according to the recommendation of ACMG/AMP guideline.

NM_000094.4(COL7A1):c.6340G>A (p.Gly2114Ser)

Gene: COL7A1 (collagen type VII alpha 1 chain; minus strand). Cytogenetic location: 3p21.31.
Variant type: single nucleotide variant.
Coding change: c.6340G>A on transcript NM_000094.4 (MANE Select); coding-DNA position 6340, G replaced by A.
Protein change: p.Gly2114Ser; replaces glycine 2114 with serine.
Molecular consequence: missense variant.
Genome position (GRCh38, 1-based): chr3:48,574,805, C>T on the plus strand (G>A on the coding strand, the complement: COL7A1 is on the minus strand). VCF-style: chr3-48574805-C-T. GRCh37 (hg19) VCF-style: chr3-48612238-C-T.
Other names: short protein forms G2114S.
Identifiers: ClinVar variation 4855089 (VCV004855089.1).
Genomic context (GRCh38, chr3:48,574,805, plus strand): 5'-AGTCCCTAGTGCCATGGCAGAGGGTGGCCCCGAGCTGATTCCACACACTGACCTTAGCAC[C>T]CTTGAGTCCAGGGGGTCCCTGTTCTCCAGAGAGTCCAGGACCTGGCTCATCCACAGACAC-3'
Protein context (NP_000085.1, residues 2104-2124): SGEQGPPGLK[Gly2114Ser]AKGEPGSNGD